The following is an entry in ClinVar:

NM_015570.4(AUTS2):c.125G>A (p.Arg42Gln)

Genes: AUTS2 (activator of transcription and developmental regulator AUTS2; plus strand), LOC129998550 (ATAC-STARR-seq lymphoblastoid silent region 18224; plus strand). Cytogenetic location: 7q11.22.
Variant type: single nucleotide variant.
Coding change: c.125G>A on transcript NM_015570.4 (MANE Select); coding-DNA position 125, G replaced by A.
Protein change: p.Arg42Gln; replaces arginine 42 with glutamine.
Molecular consequence: missense variant.
Genome position (GRCh38, 1-based): chr7:69,599,778, G>A. VCF-style: chr7-69599778-G-A. GRCh37 (hg19) VCF-style: chr7-69064764-G-A.
Other names: c.125G>A, p.Arg42Gln (NM_001127231.3, NM_001127232.3); short protein forms R42Q.
Identifiers: ClinVar variation 2806650 (VCV002806650.3), dbSNP rs1320520023, ClinGen allele CA367702907.

ClinVar aggregate classification (germline): Uncertain significance (1 of 4 stars; one submission).

Allele frequency attached by ClinVar (database versions not stated): TOPMed 0.00001; gnomAD exomes below 0.00001.
gnomAD v4.1: 1 of 1,517,518 alleles (0.000066%); highest among the groups gnomAD compares: East Asian, 0.0028%; no homozygotes.

Submission:

Labcorp Genetics (formerly Invitae), Labcorp
Classification: Uncertain significance. Last evaluated: 2025-11-17. Review status: criteria provided, single submitter. Criteria: Invitae Variant Classification Sherloc (09022015). Collection method: clinical testing. Allele origin: germline.
Comment: This sequence change replaces arginine, which is basic and polar, with glutamine, which is neutral and polar, at codon 42 of the AUTS2 protein (p.Arg42Gln). This variant is not present in population databases (gnomAD no frequency). This variant has not been reported in the literature in individuals affected with AUTS2-related conditions. ClinVar contains an entry for this variant (Variation ID: 2806650). An algorithm developed to predict the effect of missense changes on protein structure and function (PolyPhen-2) suggests that this variant is likely to be tolerated. In summary, the available evidence is currently insufficient to determine the role of this variant in disease. Therefore, it has been classified as a Variant of Uncertain Significance.